The following is an entry in ClinVar:

ClinVar aggregate classification (germline): Likely benign (1 of 4 stars; one submission).

Allele frequency attached by ClinVar (database versions not stated): 1000 Genomes Project 30x 0.00031; 1000 Genomes Project 0.00040; ExAC 0.00073; ESP Exome Variant Server 0.00100; gnomAD exomes 0.00132; TOPMed 0.00061; gnomAD 0.00068.
gnomAD v4.1: 2,003 of 1,610,670 alleles (0.12%); highest among the groups gnomAD compares: Non-Finnish European, 0.16%; 1 homozygote.

Submission:

CeGaT Center for Human Genetics Tuebingen
Classification: Likely benign. Last evaluated: 2022-03-01. Review status: criteria provided, single submitter. Criteria: CeGaT Center For Human Genetics Tuebingen Variant Classification Criteria Version 2. Collection method: clinical testing. Allele origin: germline. Affected: yes. Observed: 1 variant allele.
Comment: WRNIP1: BP4, BP7

NM_020135.3(WRNIP1):c.1002T>C (p.Asn334=)

Genes: MYLK4 (myosin light chain kinase family member 4; minus strand), WRNIP1 (WRN helicase interacting protein 1; plus strand). Cytogenetic location: 6p25.2.
Variant type: single nucleotide variant.
Coding change: c.1002T>C on transcript NM_020135.3 (MANE Select); coding-DNA position 1002, T replaced by C.
Protein change: p.Asn334=; no amino-acid change (asparagine 334 retained).
Molecular consequence: synonymous variant. On other transcripts: intron variant (1).
Genome position (GRCh38, 1-based): chr6:2,768,870, T>C. VCF-style: chr6-2768870-T-C. GRCh37 (hg19) VCF-style: chr6-2769104-T-C.
Other names: c.1002T>C, p.Asn334= (NM_130395.3); c.56+1188A>G (NM_001347872.2).
Identifiers: ClinVar variation 2656178 (VCV002656178.22), dbSNP rs146121885, ClinGen allele CA3616226.